The following is an entry in ClinVar:

NM_001127178.3(PIGG):c.1331A>G (p.Glu444Gly)

Gene: PIGG (phosphatidylinositol glycan anchor biosynthesis class G (EMM blood group); plus strand). Cytogenetic location: 4p16.3.
Variant type: single nucleotide variant.
Coding change: c.1331A>G on transcript NM_001127178.3 (MANE Select); coding-DNA position 1331, A replaced by G.
Protein change: p.Glu444Gly; replaces glutamic acid 444 with glycine.
Molecular consequence: missense variant. On other transcripts: non-coding transcript variant (6), intron variant (7).
Genome position (GRCh38, 1-based): chr4:521,272, A>G. VCF-style: chr4-521272-A-G. GRCh37 (hg19) VCF-style: chr4-515061-A-G.
Other names: c.1064A>G, p.Glu355Gly (NM_001289051.2, NM_001289053.2, NM_001345986.2); c.932A>G, p.Glu311Gly (NM_001289052.2); c.302A>G, p.Glu101Gly (NM_001345988.2); c.1331A>G, p.Glu444Gly (NM_001345989.2); c.234+23A>G (NM_001345994.2); c.1041+23A>G (NM_001345987.2); c.-202+45A>G (NM_001345991.2, NM_001345990.2); c.1308+23A>G (NM_017733.5); and 2 more; short protein forms E311G, E355G, E444G, E101G.
Identifiers: ClinVar variation 1424790 (VCV001424790.7), dbSNP rs1215019860, ClinGen allele CA355904280.

ClinVar aggregate classification (germline): Uncertain significance (1 of 4 stars; one submission).

Conditions:
Intellectual disability, autosomal recessive 53 (NEDHSCA). Also called: NEURODEVELOPMENTAL DISORDER WITH OR WITHOUT HYPOTONIA, SEIZURES, AND CEREBELLAR ATROPHY; GLYCOSYLPHOSPHATIDYLINOSITOL BIOSYNTHESIS DEFECT 13; Mental retardation, autosomal recessive 53. Identifiers: Orphanet 488635, MedGen C4310794, MONDO:0014832, OMIM 616917.

Allele frequency attached by ClinVar (database versions not stated): gnomAD exomes below 0.00001 and 0.00001; TOPMed below 0.00001; gnomAD 0.00001.
gnomAD v4.1: 3 of 1,606,576 alleles (0.00019%); highest among the groups gnomAD compares: Non-Finnish European, 0.00026%; no homozygotes.

Submission:

Labcorp Genetics (formerly Invitae), Labcorp
Classification: Uncertain significance for Intellectual disability, autosomal recessive 53. Last evaluated: 2022-09-13. Review status: criteria provided, single submitter. Criteria: Invitae Variant Classification Sherloc (09022015). Collection method: clinical testing. Allele origin: germline.
Comment: This sequence change replaces glutamic acid, which is acidic and polar, with glycine, which is neutral and non-polar, at codon 444 of the PIGG protein (p.Glu444Gly). This variant is present in population databases (no rsID available, gnomAD 0.002%). This variant has not been reported in the literature in individuals affected with PIGG-related conditions. ClinVar contains an entry for this variant (Variation ID: 1424790). Algorithms developed to predict the effect of missense changes on protein structure and function are either unavailable or do not agree on the potential impact of this missense change (SIFT: "Tolerated"; PolyPhen-2: "Probably Damaging"; Align-GVGD: "Class C0"). Algorithms developed to predict the effect of sequence changes on RNA splicing suggest that this variant may disrupt the consensus splice site. In summary, the available evidence is currently insufficient to determine the role of this variant in disease. Therefore, it has been classified as a Variant of Uncertain Significance.